The following is an entry in ClinVar:

ClinVar aggregate classification (germline): Uncertain significance. Review status: criteria provided, multiple submitters, no conflicts (2 of 4 stars). 4 submissions from 4 submitters: Uncertain significance (4). Last evaluated 2026-06-30.

Conditions:
Progressive sclerosing poliodystrophy (MTDPS4A). Also called: NEURONAL DEGENERATION OF CHILDHOOD WITH LIVER DISEASE, PROGRESSIVE; Mitochondrial DNA depletion syndrome 4A (Alpers type); Mitochondrial DNA Depletion Syndrome 4A; Alpers-Huttenlocher Syndrome (AHS); ALPERS PROGRESSIVE INFANTILE POLIODYSTROPHY; Alpers Syndrome. Identifiers: Orphanet 726, MedGen C0205710, MONDO:0008758, OMIM 203700.
POLG-related disorder. Also called: POLG-Related Spectrum Disorders; POLG-related condition; POLG-Related Disorders. Identifiers: MedGen C4763519.
Sensory ataxic neuropathy, dysarthria, and ophthalmoparesis (SANDO). Also called: Sensory ataxic neuropathy-dysarthria-ophthalmoparesis syndrome; SENSORY ATAXIC NEUROPATHY WITH MITOCHONDRIAL DNA DELETIONS, AUTOSOMAL RECESSIVE; Ataxia Neuropathy Spectrum (ANS); Epilepsy, progressive myoclonic, type 5. Identifiers: Orphanet 70595, MedGen C1843851, MONDO:0011835, OMIM 607459.
Progressive external ophthalmoplegia with mitochondrial DNA deletions, autosomal dominant 1 (PEOA1). Also called: PROGRESSIVE EXTERNAL OPHTHALMOPLEGIA, AUTOSOMAL DOMINANT 1; Autosomal Dominant Progressive External Ophthalmoplegia (adPEO). Identifiers: MedGen C1834846, MONDO:0024528, OMIM 157640.
Progressive external ophthalmoplegia with mitochondrial DNA deletions, autosomal recessive 1 (PEOB1). Also called: Progressive external ophthalmoplegia, autosomal recessive 1; Autosomal Recessive Progressive External Ophthalmoplegia (arPEO). Identifiers: Orphanet 254886, MedGen C4225153, MONDO:0009783, OMIM 258450.
Mitochondrial DNA depletion syndrome 4b. Also called: Mitochondrial Neurogastrointestinal Encephalopathy Disease, POLG-Related; MNGIE, POLG-RELATED. Identifiers: Orphanet 298, MedGen C3150914, MONDO:0013350, OMIM 613662.

Allele frequency attached by ClinVar (database versions not stated): gnomAD 0.00001; gnomAD exomes 0.00001; ExAC 0.00002; TOPMed 0.00003; 1000 Genomes Project 30x 0.00016; 1000 Genomes Project 0.00020.
gnomAD v4.1: 18 of 1,613,704 alleles (0.0011%); highest among the groups gnomAD compares: East Asian, 0.036%; no homozygotes.

Submissions (4):

PreventionGenetics, part of Exact Sciences
Classification: Uncertain significance for POLG-related condition. Last evaluated: 2026-06-30. Review status: criteria provided, single submitter. Criteria: ACMG Guidelines, 2015. Collection method: clinical testing. Allele origin: germline.
Comment: The POLG c.1840T>C variant is predicted to result in the amino acid substitution p.Tyr614His. This variant has been documented in an individual from a Parkinson’s disease cohort (Table 4B in Zhao et al. 2020. PubMed ID: 32613234). This variant is reported in 0.049% of alleles in individuals of East Asian descent in gnomAD. At this time, the clinical significance of this variant is uncertain due to the absence of conclusive functional and genetic evidence.

GeneDx
Classification: Uncertain significance. Last evaluated: 2026-01-17. Review status: criteria provided, single submitter. Criteria: GeneDx Variant Classification Process June 2021. Collection method: clinical testing. Allele origin: germline.
Comment: In silico analysis supports that this missense variant has a deleterious effect on protein structure/function; Heterozygous in an individual with Parkinson's disease who underwent whole exome sequencing (PMID: 32613234); This variant is associated with the following publications: (PMID: 32613234)

Labcorp Genetics (formerly Invitae), Labcorp
Classification: Uncertain significance for Progressive sclerosing poliodystrophy. Last evaluated: 2025-12-01. Review status: criteria provided, single submitter. Criteria: Invitae Variant Classification Sherloc (09022015). Collection method: clinical testing. Allele origin: germline.
Comment: This sequence change replaces tyrosine, which is neutral and polar, with histidine, which is basic and polar, at codon 614 of the POLG protein (p.Tyr614His). This variant is present in population databases (rs566520464, gnomAD 0.05%). This missense change has been observed in individual(s) with clinical features of POLG-related conditions (PMID: 32613234). ClinVar contains an entry for this variant (Variation ID: 2192504). Invitae Evidence Modeling of protein sequence and biophysical properties (such as structural, functional, and spatial information, amino acid conservation, physicochemical variation, residue mobility, and thermodynamic stability) has been performed for this missense variant. However, the output from this modeling did not meet the statistical confidence thresholds required to predict the impact of this variant on POLG protein function. In summary, the available evidence is currently insufficient to determine the role of this variant in disease. Therefore, it has been classified as a Variant of Uncertain Significance.

Juno Genomics, Hangzhou Juno Genomics, Inc
Classification: Uncertain significance for Progressive sclerosing poliodystrophy; Mitochondrial DNA depletion syndrome 4b; Sensory ataxic neuropathy, dysarthria, and ophthalmoparesis; Progressive external ophthalmoplegia with mitochondrial DNA deletions, autosomal dominant 1; Progressive external ophthalmoplegia with mitochondrial DNA deletions, autosomal recessive 1. Review status: criteria provided, single submitter. Criteria: ACMG Guidelines, 2015. Collection method: clinical testing. Allele origin: germline.
Comment: Absent from controls (or at extremely low frequency if recessive) in Genome Aggregation Database.;Multiple lines of computational evidence support a deleterious effect on the gene or gene product.

Literature cited by the submitters: PubMed 32613234 (cited by Labcorp Genetics (formerly Invitae), Labcorp).

NM_002693.3(POLG):c.1840T>C (p.Tyr614His)

Gene: POLG (DNA polymerase gamma, catalytic subunit; minus strand). Cytogenetic location: 15q26.1.
Variant type: single nucleotide variant.
Coding change: c.1840T>C on transcript NM_002693.3 (MANE Select); coding-DNA position 1840, T replaced by C.
Protein change: p.Tyr614His; replaces tyrosine 614 with histidine.
Molecular consequence: missense variant.
Genome position (GRCh38, 1-based): chr15:89,325,559, A>G on the plus strand (T>C on the coding strand, the complement: POLG is on the minus strand). VCF-style: chr15-89325559-A-G. GRCh37 (hg19) VCF-style: chr15-89868790-A-G.
Other names: c.1840T>C, p.Tyr614His (NM_001126131.2); short protein forms Y614H.
Identifiers: ClinVar variation 2192504 (VCV002192504.8), dbSNP rs566520464, ClinGen allele CA7724677.
Genomic context (GRCh38, chr15:89,325,559, plus strand): 5'-GCTTGGCCAGGTTGTCCCGCCGCCCAGGCACCAAGTAGCCCCAGCCATGACGCTCTGAGT[A>G]GTGCAGAGGGAAGCCATCCCAGGTAAGTGCCATGAGTTTAGGTGTGACCCGCATCTGCAG-3'
Protein context (NP_002684.1, residues 604-624): ALTWDGFPLH[Tyr614His]SERHGWGYLV